The following is an entry in ClinVar:

NM_030665.4(RAI1):c.3514C>T (p.Arg1172Cys)

Gene: RAI1 (retinoic acid induced 1; plus strand). Cytogenetic location: 17p11.2.
Variant type: single nucleotide variant.
Coding change: c.3514C>T on transcript NM_030665.4 (MANE Select); coding-DNA position 3514, C replaced by T.
Protein change: p.Arg1172Cys; replaces arginine 1172 with cysteine.
Molecular consequence: missense variant.
Genome position (GRCh38, 1-based): chr17:17,796,462, C>T. VCF-style: chr17-17796462-C-T. GRCh37 (hg19) VCF-style: chr17-17699776-C-T.
Other names: short protein forms R1172C.
Identifiers: ClinVar variation 2155409 (VCV002155409.4), dbSNP rs770567527, ClinGen allele CA8418741.
Genomic context (GRCh38, chr17:17,796,462, plus strand): 5'-ACCCAGGAGATCTTCCACTCCAAGCGGCGGAGGCCCTCTGAGGGCCGGCTCCCCAACTGC[C>T]GTGCCACCAAGAAGCTCCTCGACAACAGCCACTTGCCCGCCACATTCAAGGTCTCCAGCA-3'
Protein context (NP_109590.3, residues 1162-1182): RPSEGRLPNC[Arg1172Cys]ATKKLLDNSH

ClinVar aggregate classification (germline): Uncertain significance (1 of 4 stars; one submission).

Allele frequency attached by ClinVar (database versions not stated): gnomAD exomes below 0.00001; ExAC 0.00001; TOPMed 0.00002.
gnomAD v4.1: 5 of 1,612,504 alleles (0.00031%); highest among the groups gnomAD compares: East Asian, 0.0022%; no homozygotes.

Submission:

Labcorp Genetics (formerly Invitae), Labcorp
Classification: Uncertain significance. Last evaluated: 2025-06-22. Review status: criteria provided, single submitter. Criteria: Invitae Variant Classification Sherloc (09022015). Collection method: clinical testing. Allele origin: germline.
Comment: This sequence change replaces arginine, which is basic and polar, with cysteine, which is neutral and slightly polar, at codon 1172 of the RAI1 protein (p.Arg1172Cys). This variant is present in population databases (rs770567527, gnomAD 0.0009%). This variant has not been reported in the literature in individuals affected with RAI1-related conditions. ClinVar contains an entry for this variant (Variation ID: 2155409). Invitae Evidence Modeling of protein sequence and biophysical properties (such as structural, functional, and spatial information, amino acid conservation, physicochemical variation, residue mobility, and thermodynamic stability) indicates that this missense variant is not expected to disrupt RAI1 protein function with a negative predictive value of 80%. In summary, the available evidence is currently insufficient to determine the role of this variant in disease. Therefore, it has been classified as a Variant of Uncertain Significance.